The following is an entry in ClinVar:

ClinVar aggregate classification (germline): Uncertain significance (1 of 4 stars; one submission).

Conditions:
Autosomal dominant nonsyndromic hearing loss 1. Also called: KONIGSMARK SYNDROME; DEAFNESS, AUTOSOMAL DOMINANT 1, WITH OR WITHOUT THROMBOCYTOPENIA. Identifiers: Orphanet 90635, MedGen C1852282, MONDO:0007424, OMIM 124900.
Progressive microcephaly-seizures-cortical blindness-developmental delay syndrome. Also called: Seizures, cortical blindness, and microcephaly syndrome. Identifiers: Orphanet 477814, MedGen C5567650, MONDO:0014714, OMIM 616632.

Allele frequency attached by ClinVar (database versions not stated): gnomAD exomes below 0.00001; TOPMed 0.00001; gnomAD 0.00003.
gnomAD v4.1: 6 of 1,614,158 alleles (0.00037%); highest among the groups gnomAD compares: East Asian, 0.0045%; no homozygotes.

Submission:

Labcorp Genetics (formerly Invitae), Labcorp
Classification: Uncertain significance for Progressive microcephaly-seizures-cortical blindness-developmental delay syndrome; Autosomal dominant nonsyndromic hearing loss 1. Last evaluated: 2024-01-24. Review status: criteria provided, single submitter. Criteria: Invitae Variant Classification Sherloc (09022015). Collection method: clinical testing. Allele origin: germline.
Comment: This sequence change replaces aspartic acid, which is acidic and polar, with glutamic acid, which is acidic and polar, at codon 78 of the DIAPH1 protein (p.Asp78Glu). This variant is present in population databases (no rsID available, gnomAD 0.003%). This variant has not been reported in the literature in individuals affected with DIAPH1-related conditions. ClinVar contains an entry for this variant (Variation ID: 651079). Experimental studies and prediction algorithms are not available or were not evaluated, and the functional significance of this variant is currently unknown. In summary, the available evidence is currently insufficient to determine the role of this variant in disease. Therefore, it has been classified as a Variant of Uncertain Significance.

NM_005219.5(DIAPH1):c.234T>G (p.Asp78Glu)

Gene: DIAPH1 (diaphanous related formin 1; minus strand). Cytogenetic location: 5q31.3.
Variant type: single nucleotide variant.
Coding change: c.234T>G on transcript NM_005219.5 (MANE Select); coding-DNA position 234, T replaced by G.
Protein change: p.Asp78Glu; replaces aspartic acid 78 with glutamic acid.
Molecular consequence: missense variant.
Genome position (GRCh38, 1-based): chr5:141,587,108, A>C on the plus strand (T>G on the coding strand, the complement: DIAPH1 is on the minus strand). VCF-style: chr5-141587108-A-C. GRCh37 (hg19) VCF-style: chr5-140966675-A-C.
Other names: c.207T>G, p.Asp69Glu (NM_001079812.3); c.234T>G, p.Asp78Glu (NM_001314007.2); short protein forms D78E, D69E.
Identifiers: ClinVar variation 651079 (VCV000651079.6), dbSNP rs1292590118, ClinGen allele CA361546475.